The following is an entry in ClinVar:

ClinVar aggregate classification (germline): Uncertain significance. Review status: criteria provided, multiple submitters, no conflicts (2 of 4 stars). 2 submissions from 2 submitters: Uncertain significance (2). Last evaluated 2025-04-07.

Conditions:
Brachyolmia-amelogenesis imperfecta syndrome. Also called: PLATYSPONDYLY WITH AMELOGENESIS IMPERFECTA; Tooth agenesis, selective, 6; Dental anomalies and short stature. Identifiers: Orphanet 2899, MedGen C1832594, MONDO:0011018, OMIM 601216. Disease mechanism: loss of function.
Inborn genetic diseases. Identifiers: MedGen C0950123, MeSH D030342.

Allele frequency attached by ClinVar (database versions not stated): gnomAD exomes below 0.00001.
gnomAD v4.1: 2 of 1,530,940 alleles (0.00013%); highest among the groups gnomAD compares: Non-Finnish European, 0.00018%; no homozygotes.

Submissions (2):

Ambry Genetics
Classification: Uncertain significance for Inborn genetic diseases. Last evaluated: 2025-04-07. Review status: criteria provided, single submitter. Criteria: Ambry Variant Classification Scheme 2023. Collection method: clinical testing. Allele origin: germline.

Labcorp Genetics (formerly Invitae), Labcorp
Classification: Uncertain significance for Brachyolmia-amelogenesis imperfecta syndrome. Last evaluated: 2025-02-22. Review status: criteria provided, single submitter. Criteria: Invitae Variant Classification Sherloc (09022015). Collection method: clinical testing. Allele origin: germline.
Comment: This sequence change replaces aspartic acid, which is acidic and polar, with histidine, which is basic and polar, at codon 1084 of the LTBP3 protein (p.Asp1084His). This variant is not present in population databases (gnomAD no frequency). This variant has not been reported in the literature in individuals affected with LTBP3-related conditions. ClinVar contains an entry for this variant (Variation ID: 2083713). An algorithm developed to predict the effect of missense changes on protein structure and function (PolyPhen-2) suggests that this variant is likely to be disruptive. In summary, the available evidence is currently insufficient to determine the role of this variant in disease. Therefore, it has been classified as a Variant of Uncertain Significance.

NM_001130144.3(LTBP3):c.3250G>C (p.Asp1084His)

Genes: LTBP3 (latent transforming growth factor beta binding protein 3; minus strand), LOC121832793 (Sharpr-MPRA regulatory region 4001; plus strand). Cytogenetic location: 11q13.1.
Variant type: single nucleotide variant.
Coding change: c.3250G>C on transcript NM_001130144.3 (MANE Select); coding-DNA position 3250, G replaced by C.
Protein change: p.Asp1084His; replaces aspartic acid 1084 with histidine.
Molecular consequence: missense variant. On other transcripts: intron variant (2).
Genome position (GRCh38, 1-based): chr11:65,540,148, C>G on the plus strand (G>C on the coding strand, the complement: LTBP3 is on the minus strand). VCF-style: chr11-65540148-C-G. GRCh37 (hg19) VCF-style: chr11-65307619-C-G.
Other names: c.3250G>C (NM_001130144.2); c.2893+97G>C (NM_001164266.1); c.3244+97G>C (NM_021070.4); short protein forms D1084H.
Identifiers: ClinVar variation 2083713 (VCV002083713.5), dbSNP rs2496120106, ClinGen allele CA381267300.